The following is an entry in ClinVar:

NM_022095.4(ZNF335):c.808C>T (p.Arg270Cys)

Gene: ZNF335 (zinc finger protein 335; minus strand). Cytogenetic location: 20q13.12.
Variant type: single nucleotide variant.
Coding change: c.808C>T on transcript NM_022095.4 (MANE Select); coding-DNA position 808, C replaced by T.
Protein change: p.Arg270Cys; replaces arginine 270 with cysteine.
Molecular consequence: missense variant.
Genome position (GRCh38, 1-based): chr20:45,967,740, G>A on the plus strand (C>T on the coding strand, the complement: ZNF335 is on the minus strand). VCF-style: chr20-45967740-G-A. GRCh37 (hg19) VCF-style: chr20-44596379-G-A.
Other names: short protein forms R270C.
Identifiers: ClinVar variation 377237 (VCV000377237.20), dbSNP rs145110365, ClinGen allele CA9885977.
Genomic context (GRCh38, chr20:45,967,740, plus strand): 5'-CAGCACCCCACCCCTACCCATGCAGTCCAAGCAGGTAGGCTGCTACTGACGCACCTGGAC[G>A]GAAGTGGCGTTCCCGCATGTGGCGCAGCAGTGTGGCCTTGGTGCTGCTCCGGTACTGGCA-3'
Protein context (NP_071378.1, residues 260-280): LLRHMRERHF[Arg270Cys]PVAAAAAAAG

ClinVar aggregate classification (germline): Conflicting classifications of pathogenicity. Review status: criteria provided, conflicting classifications (1 of 4 stars). 5 submissions from 5 submitters: Uncertain significance (3); Likely benign (1). 1 of the submissions does not count toward it. Last evaluated 2024-12-02.

Conditions:
Microcephalic primordial dwarfism due to ZNF335 deficiency. Also called: Primary autosomal recessive microcephaly 10. Identifiers: Orphanet 329228, MedGen C3554499, MONDO:0014043, OMIM 615095.
ZNF335-related disorder. Also called: ZNF335-related condition.

Allele frequency attached by ClinVar (database versions not stated): ESP Exome Variant Server 0.00015; gnomAD 0.00026 and 0.00022; gnomAD exomes 0.00030 and 0.00059; ExAC 0.00070; TOPMed 0.00022.
gnomAD v4.1: 490 of 1,610,312 alleles (0.03%); highest among the groups gnomAD compares: Middle Eastern, 0.3%; 1 homozygote.

Submissions (5):

Labcorp Genetics (formerly Invitae), Labcorp
Classification: Likely benign. Last evaluated: 2024-12-02. Review status: criteria provided, single submitter. Criteria: Invitae Variant Classification Sherloc (09022015). Collection method: clinical testing. Allele origin: germline.

New York Genome Center
Classification: Uncertain significance for Microcephalic primordial dwarfism due to ZNF335 deficiency. Last evaluated: 2021-03-12. Review status: criteria provided, single submitter. Criteria: NYGC Assertion Criteria 2020. Collection method: clinical testing. Allele origin: inherited. Observed: 1 heterozygote. Study: CSER-NYCKidSeq.

Center for Pediatric Genomic Medicine, Children's Mercy Hospital and Clinics
Classification: Uncertain significance. Last evaluated: 2016-09-29. Review status: criteria provided, single submitter. Criteria: ACMG Guidelines, 2015. Collection method: clinical testing. Allele origin: germline.
ClinVar note: Converted during submission from Uncertain Significance to Uncertain significance.

Genetic Services Laboratory, University of Chicago
Classification: Uncertain significance. Last evaluated: 2015-09-23. Review status: criteria provided, single submitter. Criteria: ACMG Guidelines, 2015. Collection method: clinical testing. Allele origin: germline. Affected: no.

PreventionGenetics, part of Exact Sciences
Classification: Likely benign for ZNF335-related condition. Last evaluated: 2023-09-24. Review status: no assertion criteria provided. Collection method: clinical testing. Allele origin: germline. Not counted in ClinVar's aggregate classification.
Comment: This variant is classified as likely benign based on ACMG/AMP sequence variant interpretation guidelines (Richards et al. 2015 PMID: 25741868, with internal and published modifications).